The following is an entry in ClinVar:

ClinVar aggregate classification (germline): Likely pathogenic (1 of 4 stars; one submission).

Conditions:
MCCC2-related disorder. Also called: MCCC2-related condition.

Submission:

PreventionGenetics, part of Exact Sciences
Classification: Likely pathogenic for MCCC2-related condition. Last evaluated: 2023-02-19. Review status: criteria provided, single submitter. Criteria: ACMG Guidelines, 2015. Collection method: clinical testing. Allele origin: germline.
Comment: The MCCC2 c.1330delT variant is predicted to result in a frameshift and premature protein termination (p.Ser444Profs*29). To our knowledge, this variant has not been reported in the literature or in a large population database, indicating this variant is rare. Frameshift variants in MCCC2 are expected to be pathogenic. Therefore, this variant is interpreted as likely pathogenic.

NM_022132.5(MCCC2):c.1330del (p.Ser444fs)

Gene: MCCC2 (methylcrotonyl-CoA carboxylase subunit 2; plus strand). Cytogenetic location: 5q13.2.
Variant type: Deletion.
Coding change: c.1330del on transcript NM_022132.5 (MANE Select); coding-DNA position 1330, one base deleted (T; older notation c.1330delT).
Protein change: p.Ser444fs; shifts the reading frame from serine 444.
Molecular consequence: frameshift variant.
Genome position (GRCh38, 1-based): chr5:71,649,210, T deleted. VCF-style (leftmost placement, unchanged base first): chr5-71649209-CT-C. GRCh37 (hg19) VCF-style: chr5-70945036-CT-C.
Other names: c.1216del, p.Ser406fs (NM_001363147.1); short protein forms S406fs, S444fs.
Identifiers: ClinVar variation 2630214 (VCV002630214.1), dbSNP rs2530858195, ClinGen allele CA2695198616.
Genomic context (GRCh38, chr5:71,649,209, plus strand): 5'-CAAGATGGTGGCCGCTGTGGCCTGTGCCCAAGTGCCTAAGATAACCCTCATCATTGGGGG[CT>C]CCTATGGAGCCGGAAACTATGGGATGTGTGGCAGAGCATATAGGTAGGTGTCATGATTTT-3'